The following is an entry in ClinVar:

NM_001447.3(FAT2):c.11661C>T (p.Pro3887=)

Genes: FAT2 (FAT atypical cadherin 2; minus strand), SLC36A1 (solute carrier family 36 member 1; plus strand). Cytogenetic location: 5q33.1.
Variant type: single nucleotide variant.
Coding change: c.11661C>T on transcript NM_001447.3 (MANE Select); coding-DNA position 11661, C replaced by T.
Protein change: p.Pro3887=; no amino-acid change (proline 3887 retained).
Molecular consequence: synonymous variant.
Genome position (GRCh38, 1-based): chr5:151,512,409, G>A on the plus strand (C>T on the coding strand, the complement: FAT2 is on the minus strand). VCF-style: chr5-151512409-G-A. GRCh37 (hg19) VCF-style: chr5-150891970-G-A.
Identifiers: ClinVar variation 3058510 (VCV003058510.10), dbSNP rs375099975, ClinGen allele CA3519963.

ClinVar aggregate classification (germline): Likely benign. Review status: criteria provided, single submitter (1 of 4 stars). 2 submissions from 2 submitters: Likely benign (1). 1 of the submissions does not count toward it. Last evaluated 2025-07-01.

Conditions:
FAT2-related disorder. Also called: FAT2-related condition.

Allele frequency attached by ClinVar (database versions not stated): ExAC 0.00001; gnomAD 0.00005; ESP Exome Variant Server 0.00008; gnomAD exomes 0.00009.
gnomAD v4.1: 138 of 1,614,090 alleles (0.0085%); highest among the groups gnomAD compares: Non-Finnish European, 0.011%; no homozygotes.

Submissions (2):

CeGaT Center for Human Genetics Tuebingen
Classification: Likely benign. Last evaluated: 2025-07-01. Review status: criteria provided, single submitter. Criteria: CeGaT Center For Human Genetics Tuebingen Variant Classification Criteria Version 2. Collection method: clinical testing. Allele origin: germline. Affected: yes. Observed: 1 variant allele.
Comment: FAT2: BP4, BP7

PreventionGenetics, part of Exact Sciences
Classification: Likely benign for FAT2-related condition. Last evaluated: 2019-03-07. Review status: no assertion criteria provided. Collection method: clinical testing. Allele origin: germline. Not counted in ClinVar's aggregate classification.
Comment: This variant is classified as likely benign based on ACMG/AMP sequence variant interpretation guidelines (Richards et al. 2015 PMID: 25741868, with internal and published modifications).